The following is an entry in ClinVar:

NM_003705.5(SLC25A12):c.94C>T (p.Arg32Cys)

Gene: SLC25A12 (solute carrier family 25 member 12; minus strand). Cytogenetic location: 2q31.1.
Variant type: single nucleotide variant.
Coding change: c.94C>T on transcript NM_003705.5 (MANE Select); coding-DNA position 94, C replaced by T.
Protein change: p.Arg32Cys; replaces arginine 32 with cysteine.
Molecular consequence: missense variant. On other transcripts: non-coding transcript variant (1).
Genome position (GRCh38, 1-based): chr2:171,868,796, G>A on the plus strand (C>T on the coding strand, the complement: SLC25A12 is on the minus strand). VCF-style: chr2-171868796-G-A. GRCh37 (hg19) VCF-style: chr2-172725306-G-A.
Other names: c.94C>T (NM_003705.3); short protein forms R32C.
Identifiers: ClinVar variation 856096 (VCV000856096.7), dbSNP rs749402282, ClinGen allele CA1966481.

ClinVar aggregate classification (germline): Uncertain significance. Review status: criteria provided, multiple submitters, no conflicts (2 of 4 stars). 2 submissions from 2 submitters: Uncertain significance (2). Last evaluated 2023-10-13.

Conditions:
Inborn genetic diseases. Identifiers: MedGen C0950123, MeSH D030342.

Allele frequency attached by ClinVar (database versions not stated): gnomAD exomes 0.00003 and 0.00004; ExAC 0.00004; gnomAD 0.00005; TOPMed 0.00005.
gnomAD v4.1: 55 of 1,611,772 alleles (0.0034%); highest among the groups gnomAD compares: Non-Finnish European, 0.0042%; no homozygotes.

Submissions (2):

Ambry Genetics
Classification: Uncertain significance for Inborn genetic diseases. Last evaluated: 2023-10-13. Review status: criteria provided, single submitter. Criteria: Ambry Variant Classification Scheme 2023. Collection method: clinical testing. Allele origin: germline.

Labcorp Genetics (formerly Invitae), Labcorp
Classification: Uncertain significance. Last evaluated: 2022-08-15. Review status: criteria provided, single submitter. Criteria: Invitae Variant Classification Sherloc (09022015). Collection method: clinical testing. Allele origin: germline.
Comment: This sequence change replaces arginine, which is basic and polar, with cysteine, which is neutral and slightly polar, at codon 32 of the SLC25A12 protein (p.Arg32Cys). This variant is present in population databases (rs749402282, gnomAD 0.01%). This variant has not been reported in the literature in individuals affected with SLC25A12-related conditions. ClinVar contains an entry for this variant (Variation ID: 856096). Algorithms developed to predict the effect of missense changes on protein structure and function are either unavailable or do not agree on the potential impact of this missense change (SIFT: "Deleterious"; PolyPhen-2: "Benign"; Align-GVGD: "Class C0"). In summary, the available evidence is currently insufficient to determine the role of this variant in disease. Therefore, it has been classified as a Variant of Uncertain Significance.